The following is an entry in ClinVar:

NM_000388.4(CASR):c.3069A>C (p.Leu1023Phe)

Gene: CASR (calcium sensing receptor; plus strand). Cytogenetic location: 3q21.1.
Variant type: single nucleotide variant.
Coding change: c.3069A>C on transcript NM_000388.4 (MANE Select); coding-DNA position 3069, A replaced by C.
Protein change: p.Leu1023Phe; replaces leucine 1023 with phenylalanine.
Molecular consequence: missense variant.
Genome position (GRCh38, 1-based): chr3:122,285,023, A>C. VCF-style: chr3-122285023-A-C. GRCh37 (hg19) VCF-style: chr3-122003870-A-C.
Other names: c.3099A>C, p.Leu1033Phe (NM_001178065.2); short protein forms L1023F, L1033F.
Identifiers: ClinVar variation 3761621 (VCV003761621.2).

ClinVar aggregate classification (germline): Uncertain significance (1 of 4 stars; one submission).

Conditions:
Autosomal dominant hypocalcemia 1 (HYPOC1). Also called: HYPOCALCEMIA, FAMILIAL. Identifiers: MedGen C3715128, MONDO:0011013, OMIM 601198.
Familial hypocalciuric hypercalcemia (FHH). Also called: Familial benign hypercalcemia. Identifiers: Orphanet 405, MedGen C1809471, MONDO:0018458.

gnomAD v4.1: 1 of 1,614,134 alleles (0.000062%); highest among the groups gnomAD compares: African/African-American, 0.0013%; no homozygotes.

Submission:

Labcorp Genetics (formerly Invitae), Labcorp
Classification: Uncertain significance for Familial hypocalciuric hypercalcemia; Autosomal dominant hypocalcemia 1. Last evaluated: 2024-08-15. Review status: criteria provided, single submitter. Criteria: Invitae Variant Classification Sherloc (09022015). Collection method: clinical testing. Allele origin: germline.
Comment: This sequence change replaces leucine, which is neutral and non-polar, with phenylalanine, which is neutral and non-polar, at codon 1023 of the CASR protein (p.Leu1023Phe). This variant is present in population databases (no rsID available, gnomAD 0.01%). This variant has not been reported in the literature in individuals affected with CASR-related conditions. An algorithm developed to predict the effect of missense changes on protein structure and function (PolyPhen-2) suggests that this variant is likely to be tolerated. In summary, the available evidence is currently insufficient to determine the role of this variant in disease. Therefore, it has been classified as a Variant of Uncertain Significance.